The following is an entry in ClinVar:

NM_138691.3(TMC1):c.1810C>T (p.Arg604Ter)

Gene: TMC1 (transmembrane channel like 1; plus strand). Cytogenetic location: 9q21.13.
Variant type: single nucleotide variant.
Coding change: c.1810C>T on transcript NM_138691.3 (MANE Select); coding-DNA position 1810, C replaced by T.
Protein change: p.Arg604Ter; replaces arginine 604 with a stop codon.
Molecular consequence: nonsense.
Genome position (GRCh38, 1-based): chr9:72,820,888, C>T. VCF-style: chr9-72820888-C-T. GRCh37 (hg19) VCF-style: chr9-75435804-C-T.
Other names: short protein forms R604*.
Identifiers: ClinVar variation 242394 (VCV000242394.8), dbSNP rs777777359, ClinGen allele CA5082077.

ClinVar aggregate classification (germline): Pathogenic. Review status: criteria provided, multiple submitters, no conflicts (2 of 4 stars). 5 submissions from 5 submitters: Pathogenic (4). 1 of the submissions does not count toward it. Last evaluated 2026-02-24.

Conditions:
TMC1-related disorder. Also called: TMC1-related disorders; TMC1-related condition.
Autosomal recessive nonsyndromic hearing loss 7. Also called: DEAFNESS, AUTOSOMAL RECESSIVE 11. Identifiers: Orphanet 90636, MedGen C1832978, MONDO:0010967, OMIM 600974.
Autosomal dominant nonsyndromic hearing loss 36. Identifiers: Orphanet 90635, MedGen C1847626, MONDO:0011708, OMIM 606705.
Hearing loss, autosomal recessive. Also called: Deafness, autosomal recessive; Rare autosomal recessive non-syndromic sensorineural deafness type DFNB; Nonsyndromic Hearing Loss, Recessive; Autosomal recessive nonsyndromic deafness. Identifiers: Orphanet 90635, Orphanet 90636, MedGen C1846647, MONDO:0019588, OMIM 607197.

Allele frequency attached by ClinVar (database versions not stated): ExAC 0.00001; gnomAD exomes 0.00001.
gnomAD v4.1: 8 of 1,614,174 alleles (0.0005%); highest among the groups gnomAD compares: East Asian, 0.0022%; no homozygotes.

Submissions (5):

GeneDx
Classification: Pathogenic. Last evaluated: 2026-02-24. Review status: criteria provided, single submitter. Criteria: GeneDx Variant Classification Process June 2021. Collection method: clinical testing. Allele origin: germline.
Comment: Nonsense variant predicted to result in protein truncation or nonsense mediated decay in a gene for which loss of function is a known mechanism of disease; This variant is associated with the following publications: (PMID: 35982127, 25525159, 34416374, 19187973, 33205915, 30303587, 18616530, 35062939)

Labcorp Genetics (formerly Invitae), Labcorp
Classification: Pathogenic. Last evaluated: 2025-04-29. Review status: criteria provided, single submitter. Criteria: Invitae Variant Classification Sherloc (09022015). Collection method: clinical testing. Allele origin: germline.
Comment: This sequence change creates a premature translational stop signal (p.Arg604*) in the TMC1 gene. It is expected to result in an absent or disrupted protein product. Loss-of-function variants in TMC1 are known to be pathogenic (PMID: 11850618, 22105175). This variant is present in population databases (rs777777359, gnomAD 0.006%). This premature translational stop signal has been observed in individual(s) with autosomal recessive deafness (PMID: 18616530, 21917145). ClinVar contains an entry for this variant (Variation ID: 242394). Algorithms developed to predict the effect of sequence changes on RNA splicing suggest that this variant may disrupt the consensus splice site. For these reasons, this variant has been classified as Pathogenic.

Fulgent Genetics
Classification: Pathogenic for Autosomal recessive nonsyndromic hearing loss 7; Autosomal dominant nonsyndromic hearing loss 36. Last evaluated: 2024-03-28. Review status: criteria provided, single submitter. Criteria: ACMG Guidelines, 2015. Collection method: clinical testing. Allele origin: germline.

Blueprint Genetics
Classification: Pathogenic for TMC1-related disorders. Last evaluated: 2024-02-06. Review status: criteria provided, single submitter. Criteria: ACMG Guidelines, 2015. Collection method: clinical testing. Allele origin: germline. Affected: yes. Observed: 3 variant alleles.

University of Washington Center for Mendelian Genomics, University of Washington
Classification: Likely pathogenic for non-syndromic autosomal recessive hearing loss. Review status: no assertion criteria provided. Collection method: research. Allele origin: inherited. Affected: yes. Not counted in ClinVar's aggregate classification.

Literature cited by the submitters: PubMed 11850618 (cited by Labcorp Genetics (formerly Invitae), Labcorp); PubMed 22105175 (cited by Labcorp Genetics (formerly Invitae), Labcorp); PubMed 18616530 (cited by Labcorp Genetics (formerly Invitae), Labcorp); PubMed 21917145 (cited by Labcorp Genetics (formerly Invitae), Labcorp); PubMed 30303587 (cited by University of Washington Center for Mendelian Genomics, University of Washington).